The following is an entry in ClinVar:

ClinVar aggregate classification (germline): Benign (1 of 4 stars; one submission).

Submission:

GeneDx
Classification: Benign. Last evaluated: 2018-06-19. Review status: criteria provided, single submitter. Criteria: GeneDx Variant Classification (06012015). Collection method: clinical testing. Allele origin: germline. Affected: yes.
Comment: This variant is considered likely benign or benign based on one or more of the following criteria: it is a conservative change, it occurs at a poorly conserved position in the protein, it is predicted to be benign by multiple in silico algorithms, and/or has population frequency not consistent with disease.

NM_130839.5(UBE3A):c.62+289_62+293del

Genes: SNHG14 (small nucleolar RNA host gene 14; plus strand), UBE3A (ubiquitin protein ligase E3A; minus strand). Cytogenetic location: 15q11.2.
Variant type: Microsatellite.
Coding change: c.62+289_62+293del on transcript NM_130839.5 (MANE Select); bases 289 to 293 of the intron after coding-DNA position 62, 5 bases deleted (GAGTT; older notation c.62+289_62+293delGAGTT).
Molecular consequence: intron variant.
Genome position (GRCh38, 1-based): chr15:25,405,168-25,405,172, AACTC deleted on the plus strand (GAGTT on the coding strand, the reverse complement: UBE3A is on the minus strand); deleting any 5 consecutive bases within chr15:25,405,168-25,405,177 gives the same sequence; the c. name uses the placement nearest the transcript's 3' end. VCF-style (leftmost placement, unchanged base first): chr15-25405167-AAACTC-A. GRCh37 (hg19) VCF-style: chr15-25650314-AAACTC-A.
Other names: c.-115-29409_-115-29405del (NM_001354546.2); c.2+289_2+293del (NM_001354551.2, NM_001354549.2, NM_001354548.2 and 17 more transcripts); c.62+289_62+293del (NM_001354550.2, NM_001354545.2, NM_001354538.2 and 1 more transcripts); c.-112+289_-112+293del (NM_001354523.2); c.71+289_71+293del (NM_000462.5).
Identifiers: ClinVar variation 668985 (VCV000668985.1), dbSNP rs71127053, ClinGen allele CA267804531.